The following is an entry in ClinVar:

NM_015166.4(MLC1):c.909GCT[4] (p.Leu308_Leu310del)

Gene: MLC1 (modulator of VRAC current 1; minus strand). Cytogenetic location: 22q13.33.
Variant type: Microsatellite.
Coding change: c.909GCT[4] on transcript NM_015166.4 (MANE Select); four copies in a row of the 3-base unit GCT starting at c.909; the reference has seven copies in a row; three copies, 9 bases deleted.
Protein change: p.Leu308_Leu310del.
Molecular consequence: inframe deletion. On other transcripts: non-coding transcript variant (3).
Genome position (GRCh38, 1-based): chr22:50,064,164-50,064,172, AGCAGCAGC deleted on the plus strand (GCTGCTGCT on the coding strand, the reverse complement: MLC1 is on the minus strand); deleting any 9 consecutive bases within chr22:50,064,164-50,064,185 gives the same sequence; the position shown is the placement nearest the transcript's 3' end. VCF-style (leftmost placement, unchanged base first): chr22-50064163-TAGCAGCAGC-T. GRCh37 (hg19) VCF-style: chr22-50502592-TAGCAGCAGC-T.
Other names: c.909GCT[4], p.Leu308_Leu310del (NM_001376472.1, NM_001376473.1, NM_001376474.1 and 5 more transcripts); c.852GCT[4], p.Leu289_Leu291del (NM_001376479.1); c.819GCT[4], p.Leu278_Leu280del (NM_001376480.1); c.807GCT[4], p.Leu274_Leu276del (NM_001376481.1); c.753GCT[4], p.Leu256_Leu258del (NM_001376482.1, NM_001376483.1); c.672GCT[4], p.Leu229_Leu231del (NM_001376484.1).
Identifiers: ClinVar variation 4886982 (VCV004886982.1).

ClinVar aggregate classification (germline): Uncertain significance (1 of 4 stars; one submission).

Conditions:
Fetal anomalies with a likely genetic cause.

Submission:

Genetics Laboratory, Great Ormond Street Hospital NHS Foundation Trust, North Thames Genomic Laboratory Hub
Classification: Uncertain significance for Fetal anomalies with a likely genetic cause. Last evaluated: 2026-07-01. Review status: criteria provided, single submitter. Criteria: ACGS Best Practice Guidelines for Variant Classification in Rare Disease 2024 v1.2. Collection method: clinical testing. Allele origin: germline. Affected: yes.
Comment: PM2_moderate, PM4_moderate